The following is an entry in ClinVar:

ClinVar aggregate classification (germline): Uncertain significance (1 of 4 stars; one submission).

Conditions:
Cohen syndrome (COH1). Also called: PEPPER SYNDROME; Cutis verticis gyrata, retinitis pigmentosa, and sensorineural deafness. Identifiers: Orphanet 193, MedGen C0265223, MONDO:0008999, OMIM 216550.

Submission:

Labcorp Genetics (formerly Invitae), Labcorp
Classification: Uncertain significance for Cohen syndrome. Last evaluated: 2022-06-15. Review status: criteria provided, single submitter. Criteria: Invitae Variant Classification Sherloc (09022015). Collection method: clinical testing. Allele origin: germline.
Comment: In summary, the available evidence is currently insufficient to determine the role of this variant in disease. Therefore, it has been classified as a Variant of Uncertain Significance. Algorithms developed to predict the effect of missense changes on protein structure and function output the following: SIFT: "Not Available"; PolyPhen-2: "Benign"; Align-GVGD: "Not Available". The glycine amino acid residue is found in multiple mammalian species, which suggests that this missense change does not adversely affect protein function. This variant has not been reported in the literature in individuals affected with VPS13B-related conditions. This variant is not present in population databases (gnomAD no frequency). This sequence change replaces cysteine, which is neutral and slightly polar, with glycine, which is neutral and non-polar, at codon 2130 of the VPS13B protein (p.Cys2130Gly).

NM_152564.5(VPS13B):c.6313T>G (p.Cys2105Gly)

Gene: VPS13B (vacuolar protein sorting 13 homolog B; plus strand). Cytogenetic location: 8q22.2.
Variant type: single nucleotide variant.
Coding change: c.6313T>G on transcript NM_152564.5 (MANE Select); coding-DNA position 6313, T replaced by G.
Protein change: p.Cys2105Gly; replaces cysteine 2105 with glycine.
Molecular consequence: missense variant.
Genome position (GRCh38, 1-based): chr8:99,699,791, T>G. VCF-style: chr8-99699791-T-G. GRCh37 (hg19) VCF-style: chr8-100712019-T-G.
Other names: c.6388T>G, p.Cys2130Gly (NM_017890.5); short protein forms C2105G, C2130G.
Identifiers: ClinVar variation 2007228 (VCV002007228.4), dbSNP rs2491484554, ClinGen allele CA371874893.
Genomic context (GRCh38, chr8:99,699,791, plus strand): 5'-ATTCATGGTGATGGAGTGCAAAAGATTTCAGCTCAAGAAAACATGTGGAGAGCTGTTTCC[T>G]GCTTTCAAAAAATTTCTGTTCAAACTACTCAGATTGTGATCTCCATGGAAACTGTACCCC-3'
Protein context (NP_689777.3, residues 2095-2115): AQENMWRAVS[Cys2105Gly]FQKISVQTTQ